The following is an entry in ClinVar:

NM_003560.4(PLA2G6):c.1496C>T (p.Ala499Val)

Gene: PLA2G6 (phospholipase A2 group VI; minus strand). Cytogenetic location: 22q13.1.
Variant type: single nucleotide variant.
Coding change: c.1496C>T on transcript NM_003560.4 (MANE Select); coding-DNA position 1496, C replaced by T.
Protein change: p.Ala499Val; replaces alanine 499 with valine.
Molecular consequence: missense variant.
Genome position (GRCh38, 1-based): chr22:38,123,190, G>A on the plus strand (C>T on the coding strand, the complement: PLA2G6 is on the minus strand). VCF-style: chr22-38123190-G-A. GRCh37 (hg19) VCF-style: chr22-38519197-G-A.
Other names: c.1334C>T, p.Ala445Val (NM_001004426.3, NM_001199562.3, NM_001349865.2 and 1 more transcripts); c.1496C>T, p.Ala499Val (NM_001349864.2); c.962C>T, p.Ala321Val (NM_001349867.2); c.818C>T, p.Ala273Val (NM_001349868.2); c.800C>T, p.Ala267Val (NM_001349869.2); short protein forms A267V, A273V, A321V, A445V, A499V.
Identifiers: ClinVar variation 3629544 (VCV003629544.2).
Genomic context (GRCh38, chr22:38,123,190, plus strand): 5'-CTGGTGCCCGCCACCCAGTCAAACAGGTCCTTGGTGGCCACACCCGAGGCCTTCTCGATG[G>A]CGATGAGGAGCTGGATGATGATGAGGCCTTTCACTCCTCCTCCATCCAGGCACAGCAGGT-3'
Protein context (NP_003551.2, residues 489-509): KGLIIIQLLI[Ala499Val]IEKASGVATK

ClinVar aggregate classification (germline): Uncertain significance (1 of 4 stars; one submission).

Submission:

Women's Health and Genetics/Laboratory Corporation of America, LabCorp
Classification: Uncertain significance. Last evaluated: 2024-11-26. Review status: criteria provided, single submitter. Criteria: LabCorp Variant Classification Summary - May 2015. Collection method: clinical testing. Allele origin: germline.
Comment: Variant summary: PLA2G6 c.1496C>T (p.Ala499Val) results in a non-conservative amino acid change in the encoded protein sequence. Four of five in-silico tools predict a damaging effect of the variant on protein function. The variant was absent in 160002 control chromosomes. The available data on variant occurrences in the general population are insufficient to allow any conclusion about variant significance. c.1496C>T has been reported in the literature in at-least one individual affected with infantile neuroaxonal dystrophy (example, Zhang_2013). These data do not allow any conclusion about variant significance. To our knowledge, no experimental evidence demonstrating an impact on protein function has been reported. Additionally, at least one variant at the Arg499 residue has been reported as Likely Pathogenic at our lab (p.Ala499Thr), suggesting that this codon may be functionally important. The following publication has been ascertained in the context of this evaluation (PMID: 22934738). No submitters have cited clinical-significance assessments for this variant to ClinVar. Based on the evidence outlined above, the variant was classified as uncertain significance.

Literature cited by the submitters: PubMed 22934738.